The following is an entry in ClinVar:

NM_001267550.2(TTN):c.20480A>G (p.Asp6827Gly)

Gene: TTN (titin; minus strand). Cytogenetic location: 2q31.2.
Variant type: single nucleotide variant.
Coding change: c.20480A>G on transcript NM_001267550.2 (MANE Select); coding-DNA position 20480, A replaced by G.
Protein change: p.Asp6827Gly; replaces aspartic acid 6827 with glycine.
Molecular consequence: missense variant. On other transcripts: intron variant (3).
Genome position (GRCh38, 1-based): chr2:178,725,842, T>C on the plus strand (A>G on the coding strand, the complement: TTN is on the minus strand). VCF-style: chr2-178725842-T-C. GRCh37 (hg19) VCF-style: chr2-179590569-T-C.
Other names: c.19529A>G, p.Asp6510Gly (NM_001256850.1); c.16748A>G, p.Asp5583Gly (NM_133378.4); c.13282+12240A>G (NM_003319.4); c.13858+12240A>G (NM_133437.4); c.13657+12240A>G (NM_133432.3); short protein forms D5583G, D6510G, D6827G.
Identifiers: ClinVar variation 3384616 (VCV003384616.1).

ClinVar aggregate classification (germline): Uncertain significance (1 of 4 stars; one submission).

gnomAD v4.1: 14 of 1,613,214 alleles (0.00087%); highest among the groups gnomAD compares: African/African-American, 0.0013%; no homozygotes.

Submission:

GeneDx
Classification: Uncertain significance. Last evaluated: 2024-06-03. Review status: criteria provided, single submitter. Criteria: GeneDx Variant Classification Process June 2021. Collection method: clinical testing. Allele origin: germline. Affected: yes.
Comment: Not observed at significant frequency in large population cohorts (gnomAD); Missense variant in a gene in which most reported pathogenic variants are truncating/loss of function; Has not been previously published as pathogenic or benign to our knowledge